The following is an entry in ClinVar:

NM_206933.4(USH2A):c.5528C>T (p.Pro1843Leu)

Genes: USH2A (usherin; minus strand), USH2A-AS2 (USH2A antisense RNA 2; plus strand). Cytogenetic location: 1q41.
Variant type: single nucleotide variant.
Coding change: c.5528C>T on transcript NM_206933.4 (MANE Select); coding-DNA position 5528, C replaced by T.
Protein change: p.Pro1843Leu; replaces proline 1843 with leucine.
Molecular consequence: missense variant.
Genome position (GRCh38, 1-based): chr1:216,078,133, G>A on the plus strand (C>T on the coding strand, the complement: USH2A is on the minus strand). VCF-style: chr1-216078133-G-A. GRCh37 (hg19) VCF-style: chr1-216251475-G-A.
Other names: short protein forms P1843L.
Identifiers: ClinVar variation 1403290 (VCV001403290.11), dbSNP rs200209833, ClinGen allele CA37441295.
Genomic context (GRCh38, chr1:216,078,133, plus strand): 5'-TCCAGATGGAACTTACCTTGTTCCAAACACAAATGTTGATAAGAGTTCAGCAGTTCCTGT[G>A]GGATTCCTCCCACATAAACTGGTGAATTCACCACCAGTGGCTGGTCTCCGGACTCCGATG-3'
Protein context (NP_996816.3, residues 1833-1853): VNSPVYVGGI[Pro1843Leu]QELLNSYQHL

ClinVar aggregate classification (germline): Pathogenic/Likely pathogenic. Review status: criteria provided, multiple submitters, no conflicts (2 of 4 stars). 4 submissions from 4 submitters: Pathogenic (1); Likely pathogenic (3). Last evaluated 2025-12-22.

Conditions:
Retinitis pigmentosa 39 (RP39). Identifiers: Orphanet 791, MedGen C3151138, MONDO:0013436, OMIM 613809.
Usher syndrome type 2A. Also called: RETINAL DISEASE IN USHER SYNDROME TYPE IIA, MODIFIER OF; USHER SYNDROME, TYPE IIA. Identifiers: Orphanet 231178, Orphanet 886, MedGen C1848634, MONDO:0010169, OMIM 276901.
Usher syndrome. Also called: Usher Syndromes; Usher's syndrome. Identifiers: Orphanet 886, MedGen CN469326, MeSH D052245, MONDO:0019501. Disease mechanism: loss of function.
USH2A-related disorder. Also called: USH2A-related disorders; USH2A-related condition. Identifiers: MedGen CN239332.

Allele frequency attached by ClinVar (database versions not stated): gnomAD exomes below 0.00001; gnomAD 0.00001; 1000 Genomes Project 30x 0.00016; 1000 Genomes Project 0.00020.
gnomAD v4.1: 1 of 1,613,610 alleles (0.000062%); highest among the groups gnomAD compares: East Asian, 0.0022%; no homozygotes.

Submissions (4):

Myriad Genetics, Inc.
Classification: Likely pathogenic for USH2A-related disorder. Last evaluated: 2025-12-22. Review status: criteria provided, single submitter. Criteria: Myriad Autosomal Dominant, Autosomal Recessive and X-Linked Classification Criteria (2023). Collection method: clinical testing. Allele origin: unknown.
Comment: NM_206933.2(USH2A):c.5528C>T(P1843L) is a missense variant classified as likely pathogenic in the context of USH2A-related disorders. P1843L has been observed in cases with relevant disease (PMID: 34662339, 23737954, 27460420, 24498627). Relevant functional assessments of this variant are not available in the literature. P1843L has been observed in referenced population frequency databases. In summary, NM_206933.2(USH2A):c.5528C>T(P1843L) is a missense variant that has been observed more frequently in cases with the relevant disease than in healthy populations. Please note: this variant was assessed in the context of healthy population screening.

Fulgent Genetics
Classification: Likely pathogenic for Usher syndrome type 2A; Retinitis pigmentosa 39. Last evaluated: 2024-05-02. Review status: criteria provided, single submitter. Criteria: ACMG Guidelines, 2015. Collection method: clinical testing. Allele origin: germline.

Women's Health and Genetics/Laboratory Corporation of America, LabCorp
Classification: Likely pathogenic for Usher syndrome. Last evaluated: 2024-04-29. Review status: criteria provided, single submitter. Criteria: LabCorp Variant Classification Summary - May 2015. Collection method: clinical testing. Allele origin: germline.
Comment: Variant summary: USH2A c.5528C>T (p.Pro1843Leu) results in a non-conservative amino acid change located in the Laminin G domain (IPR001791) of the encoded protein sequence. Five of five in-silico tools predict a damaging effect of the variant on protein function. The variant allele was found at a frequency of 4e-06 in 250678 control chromosomes. c.5528C>T has been reported in the literature in commpound heterozygous individuals affected with Usher Syndrome or with an inherited retinal disorder (e.g. Besnard_2013, Huang_2013, Biswas_2021, Bonnet_2016, Feenstra_2022). These data indicate that the variant is likely to be associated with disease. To our knowledge, no experimental evidence demonstrating an impact on protein function has been reported. The following publications have been ascertained in the context of this evaluation (PMID: 24498627, 34662339, 27460420, 36011334, 23737954). ClinVar contains an entry for this variant (Variation ID: 1403290). Based on the evidence outlined above, the variant was classified as likely pathogenic.

Labcorp Genetics (formerly Invitae), Labcorp
Classification: Pathogenic. Last evaluated: 2022-09-27. Review status: criteria provided, single submitter. Criteria: Invitae Variant Classification Sherloc (09022015). Collection method: clinical testing. Allele origin: germline.
Comment: For these reasons, this variant has been classified as Pathogenic. Advanced modeling of protein sequence and biophysical properties (such as structural, functional, and spatial information, amino acid conservation, physicochemical variation, residue mobility, and thermodynamic stability) performed at Invitae indicates that this missense variant is expected to disrupt USH2A protein function. ClinVar contains an entry for this variant (Variation ID: 1403290). This missense change has been observed in individual(s) with clinical features of Usher syndrome (PMID: 23737954; Invitae). This variant is not present in population databases (gnomAD no frequency). This sequence change replaces proline, which is neutral and non-polar, with leucine, which is neutral and non-polar, at codon 1843 of the USH2A protein (p.Pro1843Leu).

Literature cited by the submitters: PubMed 23737954 (cited by 3 submitters); PubMed 24498627 (cited by Myriad Genetics, Inc. and Women's Health and Genetics/Laboratory Corporation of America, LabCorp); PubMed 27460420 (cited by Myriad Genetics, Inc. and Women's Health and Genetics/Laboratory Corporation of America, LabCorp); PubMed 34662339 (cited by Myriad Genetics, Inc. and Women's Health and Genetics/Laboratory Corporation of America, LabCorp); PubMed 36011334 (cited by Women's Health and Genetics/Laboratory Corporation of America, LabCorp).